The following is an entry in ClinVar:

NM_206933.4(USH2A):c.7121-1G>T

Gene: USH2A (usherin; minus strand). Cytogenetic location: 1q41.
Variant type: single nucleotide variant.
Coding change: c.7121-1G>T on transcript NM_206933.4 (MANE Select); the canonical splice acceptor site of the intron before coding-DNA position 7121, G replaced by T.
Molecular consequence: splice acceptor variant.
Genome position (GRCh38, 1-based): chr1:215,934,796, C>A on the plus strand (G>T on the coding strand, the complement: USH2A is on the minus strand). VCF-style: chr1-215934796-C-A. GRCh37 (hg19) VCF-style: chr1-216108138-C-A.
Identifiers: ClinVar variation 1467323 (VCV001467323.7), dbSNP rs2102499826, ClinGen allele CA344858111.

ClinVar aggregate classification (germline): Likely pathogenic. Review status: criteria provided, multiple submitters, no conflicts (2 of 4 stars). 2 submissions from 2 submitters: Likely pathogenic (2). Last evaluated 2022-12-29.

Conditions:
Retinitis pigmentosa 39 (RP39). Identifiers: Orphanet 791, MedGen C3151138, MONDO:0013436, OMIM 613809.

Allele frequency attached by ClinVar (database versions not stated): gnomAD exomes below 0.00001.
gnomAD v4.1: 2 of 1,606,950 alleles (0.00012%); highest among the groups gnomAD compares: Non-Finnish European, 0.00017%; no homozygotes.

Submissions (2):

Baylor Genetics
Classification: Likely pathogenic for Retinitis pigmentosa 39. Last evaluated: 2022-12-29. Review status: criteria provided, single submitter. Criteria: ACMG Guidelines, 2015. Collection method: clinical testing. Allele origin: unknown.

Labcorp Genetics (formerly Invitae), Labcorp
Classification: Likely pathogenic. Last evaluated: 2022-05-27. Review status: criteria provided, single submitter. Criteria: Invitae Variant Classification Sherloc (09022015). Collection method: clinical testing. Allele origin: germline.
Comment: In summary, the currently available evidence indicates that the variant is pathogenic, but additional data are needed to prove that conclusively. Therefore, this variant has been classified as Likely Pathogenic. Algorithms developed to predict the effect of sequence changes on RNA splicing suggest that this variant may disrupt the consensus splice site. ClinVar contains an entry for this variant (Variation ID: 1467323). This variant has not been reported in the literature in individuals affected with USH2A-related conditions. This variant is not present in population databases (gnomAD no frequency). This sequence change affects an acceptor splice site in intron 37 of the USH2A gene. It is expected to disrupt RNA splicing. Variants that disrupt the donor or acceptor splice site typically lead to a loss of protein function (PMID: 16199547), and loss-of-function variants in USH2A are known to be pathogenic (PMID: 10729113, 10909849, 20507924, 25649381).

Literature cited by the submitters: PubMed 16199547 (cited by Labcorp Genetics (formerly Invitae), Labcorp); PubMed 10729113 (cited by Labcorp Genetics (formerly Invitae), Labcorp); PubMed 10909849 (cited by Labcorp Genetics (formerly Invitae), Labcorp); PubMed 20507924 (cited by Labcorp Genetics (formerly Invitae), Labcorp); PubMed 25649381 (cited by Labcorp Genetics (formerly Invitae), Labcorp).